The following is an entry in ClinVar:

ClinVar aggregate classification (germline): Uncertain significance (1 of 4 stars; one submission).

Conditions:
Developmental and epileptic encephalopathy, 32 (DEE32). Also called: Epileptic encephalopathy, early infantile, 32. Identifiers: Orphanet 442835, MedGen C4225350, MONDO:0014607, OMIM 616366.

Allele frequency attached by ClinVar (database versions not stated): gnomAD exomes below 0.00001; gnomAD 0.00001; TOPMed 0.00001.

Submission:

Labcorp Genetics (formerly Invitae), Labcorp
Classification: Uncertain significance for Developmental and epileptic encephalopathy, 32. Last evaluated: 2024-03-27. Review status: criteria provided, single submitter. Criteria: Invitae Variant Classification Sherloc (09022015). Collection method: clinical testing. Allele origin: germline.
Comment: This sequence change replaces isoleucine, which is neutral and non-polar, with valine, which is neutral and non-polar, at codon 133 of the KCNA2 protein (p.Ile133Val). This variant is not present in population databases (gnomAD no frequency). This variant has not been reported in the literature in individuals affected with KCNA2-related conditions. ClinVar contains an entry for this variant (Variation ID: 1357503). Advanced modeling of protein sequence and biophysical properties (such as structural, functional, and spatial information, amino acid conservation, physicochemical variation, residue mobility, and thermodynamic stability) performed at Invitae indicates that this missense variant is not expected to disrupt KCNA2 protein function with a negative predictive value of 80%. In summary, the available evidence is currently insufficient to determine the role of this variant in disease. Therefore, it has been classified as a Variant of Uncertain Significance.

NM_004974.4(KCNA2):c.397A>G (p.Ile133Val)

Gene: KCNA2 (potassium voltage-gated channel subfamily A member 2; minus strand). Cytogenetic location: 1p13.3.
Variant type: single nucleotide variant.
Coding change: c.397A>G on transcript NM_004974.4 (MANE Select); coding-DNA position 397, A replaced by G.
Protein change: p.Ile133Val; replaces isoleucine 133 with valine.
Molecular consequence: missense variant.
Genome position (GRCh38, 1-based): chr1:110,604,386, T>C on the plus strand (A>G on the coding strand, the complement: KCNA2 is on the minus strand). VCF-style: chr1-110604386-T-C. GRCh37 (hg19) VCF-style: chr1-111147008-T-C.
Other names: c.397A>G, p.Ile133Val (NM_001204269.2); short protein forms I133V.
Identifiers: ClinVar variation 1357503 (VCV001357503.8), dbSNP rs759722211, ClinGen allele CA28809099.
Genomic context (GRCh38, chr1:110,604,386, plus strand): 5'-AGAGAAGCCACACTTGTCTCTGAAACTCATTTTCAGGCAGAGGACGCTCTTCCTCCTTGA[T>C]GTAGCCTTCATCTTCCCGAAACATCTCCATCGCTTCTTCTCCCAGCTCATAAAACCGAAT-3'
Protein context (NP_004965.1, residues 123-143): MEMFREDEGY[Ile133Val]KEEERPLPEN